The following is an entry in ClinVar:

NC_000016.9:g.(?_9857006)_(10274268_?)dup

Gene: GRIN2A (glutamate ionotropic receptor NMDA type subunit 2A; minus strand). Cytogenetic location: 16p13.2.
Variant type: Duplication.
Identifiers: ClinVar variation 3243412 (VCV003243412.1).

ClinVar aggregate classification (germline): Uncertain significance (1 of 4 stars; one submission).

Conditions:
Landau-Kleffner syndrome (FESD). Also called: EPILEPSY, FOCAL, WITH SPEECH DISORDER AND WITH OR WITHOUT MENTAL RETARDATION; APHASIA, ACQUIRED, WITH EPILEPSY. Identifiers: Orphanet 1945, Orphanet 725, Orphanet 98818, MedGen C0282512, MONDO:0009509, OMIM 245570.

Submission:

Labcorp Genetics (formerly Invitae), Labcorp
Classification: Uncertain significance for Landau-Kleffner syndrome. Last evaluated: 2023-08-17. Review status: criteria provided, single submitter. Criteria: Invitae Variant Classification Sherloc (09022015). Collection method: clinical testing. Allele origin: unknown.
Comment: In summary, the available evidence is currently insufficient to determine the role of this variant in disease. Therefore, it has been classified as a Variant of Uncertain Significance. A copy number gain of the genomic region encompassing the full coding sequence of the GRIN2A gene has been identified. The boundaries of this event are unknown as they extend beyond the assayed region for this gene and therefore may encompass additional genes. As the precise location of this event is unknown, it may be in tandem or it may be located elsewhere in the genome. This variant has not been reported in the literature in individuals affected with GRIN2A-related conditions.